The following is an entry in ClinVar:

ClinVar aggregate classification (germline): Uncertain significance. Review status: criteria provided, multiple submitters, no conflicts (2 of 4 stars). 2 submissions from 2 submitters: Uncertain significance (2). Last evaluated 2022-05-17.

Conditions:
Inborn genetic diseases. Identifiers: MedGen C0950123, MeSH D030342.

Allele frequency attached by ClinVar (database versions not stated): TOPMed 0.00006; gnomAD 0.00007; gnomAD exomes 0.00024; ExAC 0.00037.

Submissions (2):

Labcorp Genetics (formerly Invitae), Labcorp
Classification: Uncertain significance. Last evaluated: 2022-05-17. Review status: criteria provided, single submitter. Criteria: Invitae Variant Classification Sherloc (09022015). Collection method: clinical testing. Allele origin: germline.
Comment: This variant has not been reported in the literature in individuals affected with PKD1L1-related conditions. Algorithms developed to predict the effect of missense changes on protein structure and function output the following: SIFT: "Tolerated"; PolyPhen-2: "Benign"; Align-GVGD: "Class C0". The threonine amino acid residue is found in multiple mammalian species, which suggests that this missense change does not adversely affect protein function. The frequency data for this variant in the population databases is considered unreliable, as metrics indicate poor data quality at this position in the gnomAD database. This sequence change replaces serine, which is neutral and polar, with threonine, which is neutral and polar, at codon 638 of the PKD1L1 protein (p.Ser638Thr). In summary, the available evidence is currently insufficient to determine the role of this variant in disease. Therefore, it has been classified as a Variant of Uncertain Significance.

Ambry Genetics
Classification: Uncertain significance for Inborn genetic diseases. Last evaluated: 2021-07-13. Review status: criteria provided, single submitter. Criteria: Ambry Variant Classification Scheme 2023. Collection method: clinical testing. Allele origin: germline.

NM_138295.5(PKD1L1):c.1913G>C (p.Ser638Thr)

Gene: PKD1L1 (polycystin 1 like 1, transient receptor potential channel interacting; minus strand). Cytogenetic location: 7p12.3.
Variant type: single nucleotide variant.
Coding change: c.1913G>C on transcript NM_138295.5 (MANE Select); coding-DNA position 1913, G replaced by C.
Protein change: p.Ser638Thr; replaces serine 638 with threonine.
Molecular consequence: missense variant.
Genome position (GRCh38, 1-based): chr7:47,904,396, C>G on the plus strand (G>C on the coding strand, the complement: PKD1L1 is on the minus strand). VCF-style: chr7-47904396-C-G. GRCh37 (hg19) VCF-style: chr7-47943993-C-G.
Other names: short protein forms S638T.
Identifiers: ClinVar variation 2074155 (VCV002074155.5), dbSNP rs200010261, ClinGen allele CA4253932.